The following is an entry in ClinVar:

ClinVar aggregate classification (germline): Uncertain significance. Review status: criteria provided, single submitter (1 of 4 stars). 2 submissions from 2 submitters: Uncertain significance (1). 1 of the submissions does not count toward it. Last evaluated 2022-03-08.

Conditions:
PHIP-related disorder. Also called: PHIP-related condition; PHIP-related disorders.

gnomAD v4.1: 24 of 1,591,516 alleles (0.0015%); highest among the groups gnomAD compares: Non-Finnish European, 0.0019%; no homozygotes.

Submissions (2):

Greenwood Genetic Center Diagnostic Laboratories, Greenwood Genetic Center
Classification: Uncertain significance. Last evaluated: 2022-03-08. Review status: criteria provided, single submitter. Criteria: ACMG Guidelines, 2015. Collection method: clinical testing. Allele origin: germline. Affected: yes.
Comment: No criteria applied

PreventionGenetics, part of Exact Sciences
Classification: Likely benign for PHIP-related condition. Last evaluated: 2021-08-18. Review status: no assertion criteria provided. Collection method: clinical testing. Allele origin: germline. Not counted in ClinVar's aggregate classification.
Comment: This variant is classified as likely benign based on ACMG/AMP sequence variant interpretation guidelines (Richards et al. 2015 PMID: 25741868, with internal and published modifications).

NM_017934.7(PHIP):c.1654-6T>C

Gene: PHIP (PHIP subunit of CUL4-Ring ligase complex; minus strand). Cytogenetic location: 6q14.1.
Variant type: single nucleotide variant.
Coding change: c.1654-6T>C on transcript NM_017934.7 (MANE Select); 6 bases into the intron before coding-DNA position 1654, T replaced by C.
Molecular consequence: intron variant.
Genome position (GRCh38, 1-based): chr6:79,002,130, A>G on the plus strand (T>C on the coding strand, the complement: PHIP is on the minus strand). VCF-style: chr6-79002130-A-G. GRCh37 (hg19) VCF-style: chr6-79711847-A-G.
Other names: c.1654-6T>C (NM_017934.6).
Identifiers: ClinVar variation 1676471 (VCV001676471.4), dbSNP rs778036662, ClinGen allele CA3900116.